The following is an entry in ClinVar:

NM_001174089.2(SLC4A11):c.1793C>T (p.Pro598Leu)

Gene: SLC4A11 (solute carrier family 4 member 11; minus strand). Cytogenetic location: 20p13.
Variant type: single nucleotide variant.
Coding change: c.1793C>T on transcript NM_001174089.2 (MANE Select); coding-DNA position 1793, C replaced by T.
Protein change: p.Pro598Leu; replaces proline 598 with leucine.
Molecular consequence: missense variant. On other transcripts: non-coding transcript variant (1).
Genome position (GRCh38, 1-based): chr20:3,229,402, G>A on the plus strand (C>T on the coding strand, the complement: SLC4A11 is on the minus strand). VCF-style: chr20-3229402-G-A. GRCh37 (hg19) VCF-style: chr20-3210048-G-A.
Other names: c.1922C>T, p.Pro641Leu (NM_001174090.2); c.1679C>T, p.Pro560Leu (NM_001363745.2); c.1841C>T, p.Pro614Leu (NM_032034.4); c.1841C>T (NM_032034.3); short protein forms P598L, P641L, P560L, P614L.
Identifiers: ClinVar variation 1349232 (VCV001349232.9), dbSNP rs1197805442, ClinGen allele CA408087691.
Genomic context (GRCh38, chr20:3,229,402, plus strand): 5'-TCACTCTCGATTTCCCGGAAGCCATGGGAGCTGATGAGGGAGAAGGCGAGCACCGCGATG[G>A]GCAGGGCGCAGTCGGACAGGATCTCTCGCACGCAGGGGTGCAGGTAGGGGCTGGGGACAG-3'
Protein context (NP_001167560.1, residues 588-608): VREILSDCAL[Pro598Leu]IAVLAFSLIS

ClinVar aggregate classification (germline): Uncertain significance. Review status: criteria provided, multiple submitters, no conflicts (2 of 4 stars). 2 submissions from 2 submitters: Uncertain significance (2). Last evaluated 2025-04-29.

Conditions:
Inborn genetic diseases. Identifiers: MedGen C0950123, MeSH D030342.

Allele frequency attached by ClinVar (database versions not stated): gnomAD exomes below 0.00001 and 0.00001; TOPMed 0.00001.

Submissions (2):

Ambry Genetics
Classification: Uncertain significance for Inborn genetic diseases. Last evaluated: 2025-04-29. Review status: criteria provided, single submitter. Criteria: Ambry Variant Classification Scheme 2023. Collection method: clinical testing. Allele origin: germline.

Labcorp Genetics (formerly Invitae), Labcorp
Classification: Uncertain significance. Last evaluated: 2022-10-13. Review status: criteria provided, single submitter. Criteria: Invitae Variant Classification Sherloc (09022015). Collection method: clinical testing. Allele origin: germline.
Comment: In summary, the available evidence is currently insufficient to determine the role of this variant in disease. Therefore, it has been classified as a Variant of Uncertain Significance. Advanced modeling of protein sequence and biophysical properties (such as structural, functional, and spatial information, amino acid conservation, physicochemical variation, residue mobility, and thermodynamic stability) has been performed at Invitae for this missense variant, however the output from this modeling did not meet the statistical confidence thresholds required to predict the impact of this variant on SLC4A11 protein function. ClinVar contains an entry for this variant (Variation ID: 1349232). This variant has not been reported in the literature in individuals affected with SLC4A11-related conditions. This variant is present in population databases (no rsID available, gnomAD 0.009%). This sequence change replaces proline, which is neutral and non-polar, with leucine, which is neutral and non-polar, at codon 614 of the SLC4A11 protein (p.Pro614Leu).